The following is an entry in ClinVar:

NM_020987.5(ANK3):c.8734T>C (p.Ser2912Pro)

Gene: ANK3 (ankyrin 3; minus strand). Cytogenetic location: 10q21.2.
Variant type: single nucleotide variant.
Coding change: c.8734T>C on transcript NM_020987.5 (MANE Select); coding-DNA position 8734, T replaced by C.
Protein change: p.Ser2912Pro; replaces serine 2912 with proline.
Molecular consequence: missense variant. On other transcripts: intron variant (4).
Genome position (GRCh38, 1-based): chr10:60,072,147, A>G on the plus strand (T>C on the coding strand, the complement: ANK3 is on the minus strand). VCF-style: chr10-60072147-A-G. GRCh37 (hg19) VCF-style: chr10-61831905-A-G.
Other names: c.4388-4138T>C (NM_001204403.2); c.4409-4138T>C (NM_001204404.2); c.4406-4138T>C (NM_001320874.2); c.1808-4138T>C (NM_001149.4); short protein forms S2912P.
Identifiers: ClinVar variation 2585353 (VCV002585353.1), dbSNP rs1185275671, ClinGen allele CA377005014.

ClinVar aggregate classification (germline): Uncertain significance (1 of 4 stars; one submission).

Conditions:
Intellectual developmental disorder, autosomal recessive 37. Also called: Intellectual disability-hypotonia-spasticity-sleep disorder syndrome. Identifiers: Orphanet 356996, MedGen C3809672, MONDO:0014210, OMIM 615493.

Allele frequency attached by ClinVar (database versions not stated): gnomAD exomes below 0.00001.
gnomAD v4.1: 1 of 1,613,862 alleles (0.000062%); highest among the groups gnomAD compares: South Asian, 0.0011%; no homozygotes.

Submission:

Neuberg Centre For Genomic Medicine, NCGM
Classification: Uncertain significance for Intellectual developmental disorder, autosomal recessive 37. Review status: criteria provided, single submitter. Criteria: ACMG Guidelines, 2015. Collection method: clinical testing. Allele origin: germline. Inheritance: Autosomal recessive inheritance. Affected: yes.
Comment: The missense variant c.11546A>G (p.Glu3849Gly) in ANK3 gene has not been reported previously as a pathogenic variant nor as a benign variant, to our knowledge. The p.Glu3849Gly variant is novel (not in any individuals) in 1000 Genomes and has a frequency of 0.0008% in the gnomAD exomes database. The amino acid Glu at position 3849 is changed to a Gly changing protein sequence and it might alter its composition and physico-chemical properties. In silico tools predict the variant to be tolerated. The residue is conserved across species. The amino acid change p.Glu3849Gly in ANK3 is predicted as conserved by GERP++ and PhyloP across 100 vertebrates. For these reasons, this variant has been classified as Uncertain Significance.